The following is an entry in ClinVar:

ClinVar aggregate classification (germline): Uncertain significance. Review status: criteria provided, multiple submitters, no conflicts (2 of 4 stars). 2 submissions from 2 submitters: Uncertain significance (2). Last evaluated 2024-06-17.

Conditions:
POLD1-related polyposis and colorectal cancer syndrome (CRCS10). Also called: Colorectal cancer 10; COLORECTAL CANCER, SUSCEPTIBILITY TO, ON CHROMOSOME 19q; Colorectal cancer, susceptibility to, 10. Identifiers: Orphanet 220460, MedGen C2675481, MONDO:0012953, OMIM 612591.
Hereditary cancer-predisposing syndrome. Also called: Neoplastic Syndromes, Hereditary; Hereditary neoplastic syndrome; Tumor predisposition; Hereditary Cancer Syndrome. Identifiers: Orphanet 140162, MedGen C0027672, MeSH D009386, MONDO:0015356.

Submissions (2):

Ambry Genetics
Classification: Uncertain significance for Hereditary cancer-predisposing syndrome. Last evaluated: 2024-06-17. Review status: criteria provided, single submitter. Criteria: Ambry Variant Classification Scheme 2023. Collection method: clinical testing. Allele origin: germline.
Comment: The p.V415I variant (also known as c.1243G>A) is located in coding exon 10 of the POLD1 gene. The valine at codon 415 is replaced by isoleucine, an amino acid with highly similar properties. This change occurs in the first base pair of coding exon 10. This amino acid position is conserved. In addition, this alteration is predicted to be tolerated by in silico analysis. Since supporting evidence is limited at this time, the clinical significance of this alteration remains unclear.

Labcorp Genetics (formerly Invitae), Labcorp
Classification: Uncertain significance for POLD1-related polyposis and colorectal cancer syndrome. Last evaluated: 2022-02-19. Review status: criteria provided, single submitter. Criteria: Invitae Variant Classification Sherloc (09022015). Collection method: clinical testing. Allele origin: germline.
Comment: Algorithms developed to predict the effect of missense changes on protein structure and function are either unavailable or do not agree on the potential impact of this missense change (SIFT: "Tolerated"; PolyPhen-2: "Possibly Damaging"; Align-GVGD: "Class C0"). ClinVar contains an entry for this variant (Variation ID: 469188). This variant has not been reported in the literature in individuals affected with POLD1-related conditions. This variant is not present in population databases (gnomAD no frequency). This sequence change replaces valine, which is neutral and non-polar, with isoleucine, which is neutral and non-polar, at codon 415 of the POLD1 protein (p.Val415Ile). In summary, the available evidence is currently insufficient to determine the role of this variant in disease. Therefore, it has been classified as a Variant of Uncertain Significance.

NM_002691.4(POLD1):c.1243G>A (p.Val415Ile)

Gene: POLD1 (DNA polymerase delta 1, catalytic subunit; plus strand). Cytogenetic location: 19q13.33.
Variant type: single nucleotide variant.
Coding change: c.1243G>A on transcript NM_002691.4 (MANE Select); coding-DNA position 1243, G replaced by A.
Protein change: p.Val415Ile; replaces valine 415 with isoleucine.
Molecular consequence: missense variant. On other transcripts: non-coding transcript variant (1).
Genome position (GRCh38, 1-based): chr19:50,406,182, G>A. VCF-style: chr19-50406182-G-A. GRCh37 (hg19) VCF-style: chr19-50909439-G-A.
Other names: c.1243G>A, p.Val415Ile (NM_001256849.1, NM_001308632.1); short protein forms V415I.
Identifiers: ClinVar variation 469188 (VCV000469188.10), dbSNP rs1555791076, ClinGen allele CA406979666.